The following is an entry in ClinVar:

ClinVar aggregate classification (germline): Uncertain significance (1 of 4 stars; one submission).

gnomAD v4.1: 2 of 1,613,994 alleles (0.00012%); highest among the groups gnomAD compares: Middle Eastern, 0.017%; no homozygotes.

Submission:

Labcorp Genetics (formerly Invitae), Labcorp
Classification: Uncertain significance. Last evaluated: 2024-03-13. Review status: criteria provided, single submitter. Criteria: Invitae Variant Classification Sherloc (09022015). Collection method: clinical testing. Allele origin: germline.
Comment: This sequence change replaces arginine, which is basic and polar, with glycine, which is neutral and non-polar, at codon 1012 of the ATP1A1 protein (p.Arg1012Gly). This variant is present in population databases (no rsID available, gnomAD 0.0009%). This variant has not been reported in the literature in individuals affected with ATP1A1-related conditions. Advanced modeling of protein sequence and biophysical properties (such as structural, functional, and spatial information, amino acid conservation, physicochemical variation, residue mobility, and thermodynamic stability) performed at Invitae indicates that this missense variant is not expected to disrupt ATP1A1 protein function with a negative predictive value of 95%. In summary, the available evidence is currently insufficient to determine the role of this variant in disease. Therefore, it has been classified as a Variant of Uncertain Significance.

NM_000701.8(ATP1A1):c.3034C>G (p.Arg1012Gly)

Genes: ATP1A1 (ATPase Na+/K+ transporting subunit alpha 1; plus strand), ATP1A1-AS1 (ATP1A1 antisense RNA 1; minus strand). Cytogenetic location: 1p13.1.
Variant type: single nucleotide variant.
Coding change: c.3034C>G on transcript NM_000701.8 (MANE Select); coding-DNA position 3034, C replaced by G.
Protein change: p.Arg1012Gly; replaces arginine 1012 with glycine.
Molecular consequence: missense variant.
Genome position (GRCh38, 1-based): chr1:116,403,966, C>G. VCF-style: chr1-116403966-C-G. GRCh37 (hg19) VCF-style: chr1-116946588-C-G.
Other names: c.3034C>G, p.Arg1012Gly (NM_001160233.2); c.2941C>G, p.Arg981Gly (NM_001160234.2); short protein forms R1012G, R981G.
Identifiers: ClinVar variation 2785123 (VCV002785123.3), dbSNP rs777250534, ClinGen allele CA341777480.